The following is an entry in ClinVar:

NM_001854.4(COL11A1):c.991C>T (p.Pro331Ser)

Gene: COL11A1 (collagen type XI alpha 1 chain; minus strand). Cytogenetic location: 1p21.1.
Variant type: single nucleotide variant.
Coding change: c.991C>T on transcript NM_001854.4 (MANE Select); coding-DNA position 991, C replaced by T.
Protein change: p.Pro331Ser; replaces proline 331 with serine.
Molecular consequence: missense variant. On other transcripts: non-coding transcript variant (1), intron variant (1).
Genome position (GRCh38, 1-based): chr1:103,022,996, G>A on the plus strand (C>T on the coding strand, the complement: COL11A1 is on the minus strand). VCF-style: chr1-103022996-G-A. GRCh37 (hg19) VCF-style: chr1-103488552-G-A.
Other names: c.874C>T, p.Pro292Ser (NM_001190709.2); c.1027C>T, p.Pro343Ser (NM_080629.3); c.898-1227C>T (NM_080630.4); c.991C>T (NM_001854.3); short protein forms P292S, P343S, P331S.
Identifiers: ClinVar variation 1911139 (VCV001911139.6), dbSNP rs767032677, ClinGen allele CA341155104.
Genomic context (GRCh38, chr1:103,022,996, plus strand): 5'-GGGAATCATAATCCTCTCCCGTTAGATATTCTTCAGTAAATATTTCTTCAACTGGATTTG[G>A]CTATTAATTTAAATTGCAAGGAATTGAGGAACATGAAGTTTATTGTTAGTAAAGCAAGGT-3'
Protein context (NP_001845.3, residues 321-341): APRHVSGTNE[Pro331Ser]NPVEEIFTEE

ClinVar aggregate classification (germline): Uncertain significance. Review status: criteria provided, multiple submitters, no conflicts (2 of 4 stars). 2 submissions from 2 submitters: Uncertain significance (2). Last evaluated 2024-12-12.

Allele frequency attached by ClinVar (database versions not stated): gnomAD 0.00001; TOPMed 0.00002.
gnomAD v4.1: 5 of 1,611,338 alleles (0.00031%); highest among the groups gnomAD compares: Admixed American, 0.0067%; no homozygotes.

Submissions (2):

Labcorp Genetics (formerly Invitae), Labcorp
Classification: Uncertain significance. Last evaluated: 2024-12-12. Review status: criteria provided, single submitter. Criteria: Invitae Variant Classification Sherloc (09022015). Collection method: clinical testing. Allele origin: germline.
Comment: This sequence change replaces proline, which is neutral and non-polar, with serine, which is neutral and polar, at codon 331 of the COL11A1 protein (p.Pro331Ser). This variant is present in population databases (no rsID available, gnomAD 0.003%). This variant has not been reported in the literature in individuals affected with COL11A1-related conditions. ClinVar contains an entry for this variant (Variation ID: 1911139). An algorithm developed to predict the effect of missense changes on protein structure and function (PolyPhen-2) suggests that this variant is likely to be tolerated. In summary, the available evidence is currently insufficient to determine the role of this variant in disease. Therefore, it has been classified as a Variant of Uncertain Significance.

GeneDx
Classification: Uncertain significance. Last evaluated: 2023-06-01. Review status: criteria provided, single submitter. Criteria: GeneDx Variant Classification Process June 2021. Collection method: clinical testing. Allele origin: germline. Affected: yes.
Comment: Not observed at significant frequency in large population cohorts (gnomAD); In silico analysis supports that this missense variant does not alter protein structure/function; Not located in the triple helical region, where the majority of pathogenic missense variants occur (HGMD; Acke et al., 2014); Has not been previously published as pathogenic or benign to our knowledge; This variant is associated with the following publications: (PMID: 25240749)